The following is an entry in ClinVar:

NM_015978.3(TNNI3K):c.1528G>T (p.Val510Leu)

Genes: FPGT-TNNI3K (FPGT-TNNI3K readthrough; plus strand), TNNI3K (TNNI3 interacting kinase; plus strand). Cytogenetic location: 1p31.1.
Variant type: single nucleotide variant.
Coding change: c.1528G>T on transcript NM_015978.3 (MANE Select); coding-DNA position 1528, G replaced by T.
Protein change: p.Val510Leu; replaces valine 510 with leucine.
Molecular consequence: missense variant.
Genome position (GRCh38, 1-based): chr1:74,369,446, G>T. VCF-style: chr1-74369446-G-T. GRCh37 (hg19) VCF-style: chr1-74835130-G-T.
Other names: p.Val510Leu; c.1831G>T, p.Val611Leu (NM_001112808.3, NM_001199327.2); short protein forms V510L, V611L.
Identifiers: ClinVar variation 1299264 (VCV001299264.12), dbSNP rs34335537, ClinGen allele CA909324.

ClinVar aggregate classification (germline): Likely benign. Review status: criteria provided, multiple submitters, no conflicts (2 of 4 stars). 6 submissions from 6 submitters: Likely benign (3). 3 of the submissions do not count toward it. Last evaluated 2026-01-27.

Conditions:
Meniere disease. Also called: Ménière's disease. Identifiers: MedGen C0025281, MONDO:0007972, OMIM 156000.

Allele frequency attached by ClinVar (database versions not stated): 1000 Genomes Project 30x 0.00016; 1000 Genomes Project 0.00020; TOPMed 0.00034; gnomAD exomes 0.00035; ExAC 0.00041; gnomAD 0.00043 and 0.00046; ESP Exome Variant Server 0.00046.
gnomAD v4.1: 848 of 1,612,506 alleles (0.053%); highest among the groups gnomAD compares: Non-Finnish European, 0.067%; no homozygotes.

Submissions (6):

Labcorp Genetics (formerly Invitae), Labcorp
Classification: Likely benign. Last evaluated: 2026-01-27. Review status: criteria provided, single submitter. Criteria: Invitae Variant Classification Sherloc (09022015). Collection method: clinical testing. Allele origin: germline.

Mayo Clinic Laboratories, Mayo Clinic
Classification: Likely benign. Last evaluated: 2025-10-28. Review status: criteria provided, single submitter. Criteria: ACMG Guidelines, 2015. Collection method: clinical testing. Allele origin: germline. Observed: 2 variant alleles.
Comment: BS1

Blueprint Genetics
Classification: Likely benign. Last evaluated: 2024-11-01. Review status: criteria provided, single submitter. Criteria: ACMG Guidelines, 2015. Collection method: clinical testing. Allele origin: germline.

Center for Computational Biology & Bioinformatics, University of California, San Diego
Classification: Uncertain significance for Meniere disease. Last evaluated: 2024-06-03. Review status: no assertion criteria provided. Collection method: research. Allele origin: germline. Affected: yes. Not counted in ClinVar's aggregate classification.

Clinical Genetics DNA and cytogenetics Diagnostics Lab, Erasmus MC, Erasmus Medical Center
Classification: Likely benign. Review status: no assertion criteria provided. Collection method: clinical testing. Allele origin: germline. Affected: yes. Study: VKGL Data-share Consensus. Not counted in ClinVar's aggregate classification.

Diagnostic Laboratory, Department of Genetics, University Medical Center Groningen
Classification: Likely benign. Review status: no assertion criteria provided. Collection method: clinical testing. Allele origin: germline. Affected: yes. Study: VKGL Data-share Consensus. Not counted in ClinVar's aggregate classification.